The following is an entry in ClinVar:

ClinVar aggregate classification (germline): Uncertain significance (1 of 4 stars; one submission).

Conditions:
Global developmental delay with or without impaired intellectual development. Identifiers: MedGen C5193032, MONDO:0032680, OMIM 618330.

gnomAD v4.1: 94 of 1,614,168 alleles (0.0058%); highest among the groups gnomAD compares: Admixed American, 0.075%; no homozygotes.

Submission:

Dasa
Classification: Uncertain significance for global developmental delay with or without impaired intellectual development. Last evaluated: 2026-01-14. Review status: criteria provided, single submitter. Criteria: DASA Assertion Criteria. Collection method: clinical testing. Allele origin: germline.
Comment: NM_181552.4(CUX1):c.1515G>A (p.Met505Ile) is a missense variant that results in the substitution of methionine with isoleucine. This variant is rare in population databases. Computational prediction algorithms are consistent with a benign effect. The currently available literature and clinical evidence are not sufficient to establish a definitive association between this variant and the reported condition. Therefore, this variant is classified as a variant of uncertain significance.

NM_181552.4(CUX1):c.1515G>A (p.Met505Ile)

Gene: CUX1 (cut like homeobox 1; plus strand). Cytogenetic location: 7q22.1.
Variant type: single nucleotide variant.
Coding change: c.1515G>A on transcript NM_181552.4 (MANE Select); coding-DNA position 1515, G replaced by A.
Protein change: p.Met505Ile; replaces methionine 505 with isoleucine.
Molecular consequence: missense variant. On other transcripts: intron variant (5).
Genome position (GRCh38, 1-based): chr7:102,196,926, G>A. VCF-style: chr7-102196926-G-A. GRCh37 (hg19) VCF-style: chr7-101840206-G-A.
Other names: c.1548G>A, p.Met516Ile (NM_001202543.2); c.1255+1323G>A (NM_001913.5); c.1249+1323G>A (NM_181500.4); c.1117+1323G>A (NM_001202545.3); c.1207+1323G>A (NM_001202544.3); c.1138+1323G>A (NM_001202546.3); short protein forms M505I, M516I.
Identifiers: ClinVar variation 4881303 (VCV004881303.2).